The following is an entry in ClinVar:

NM_007375.4(TARDBP):c.1147A>G (p.Ile383Val)

Gene: TARDBP (TAR DNA binding protein; plus strand). Cytogenetic location: 1p36.22.
Variant type: single nucleotide variant.
Coding change: c.1147A>G on transcript NM_007375.4 (MANE Select); coding-DNA position 1147, A replaced by G.
Protein change: p.Ile383Val; replaces isoleucine 383 with valine.
Molecular consequence: missense variant.
Genome position (GRCh38, 1-based): chr1:11,022,556, A>G. VCF-style: chr1-11022556-A-G. GRCh37 (hg19) VCF-style: chr1-11082613-A-G.
Other names: short protein forms I383V.
Identifiers: ClinVar variation 21476 (VCV000021476.50), dbSNP rs80356740, ClinGen allele CA586493.

ClinVar aggregate classification (germline): Pathogenic/Likely pathogenic. Review status: criteria provided, multiple submitters, no conflicts (2 of 4 stars). 16 submissions from 16 submitters: Pathogenic (6); Likely pathogenic (7). 3 of the submissions do not count toward it. Last evaluated 2026-08-26.

Conditions:
Amyotrophic lateral sclerosis type 10 (ALS10). Also called: TARDBP-Related Amyotrophic Lateral Sclerosis-Frontotemporal Dementia; AMYOTROPHIC LATERAL SCLEROSIS 10 WITH OR WITHOUT FRONTOTEMPORAL DEMENTIA; Amyotrophic lateral sclerosis 10, with or without FTD; AMYOTROPHIC LATERAL SCLEROSIS 10 WITHOUT FRONTOTEMPORAL DEMENTIA AND WITH TDP43 INCLUSIONS; AMYOTROPHIC LATERAL SCLEROSIS 10 WITH OR WITHOUT FRONTOTEMPORAL DEMENTIA AND WITH TDP43 INCLUSIONS. Identifiers: Orphanet 275872, Orphanet 803, MedGen C2677565, MONDO:0012790, OMIM 612069.
FRONTOTEMPORAL LOBAR DEGENERATION WITH TDP43 INCLUSIONS, TARDBP-RELATED. Also called: Frontotemporal lobar degeneration, TARDBP-related. Identifiers: MedGen C3150169, OMIM 612069.
TARDBP-related disorder. Also called: TARDBP-related condition.

Allele frequency attached by ClinVar (database versions not stated): ExAC 0.00001; gnomAD 0.00001 and 0.00003; gnomAD exomes 0.00001 and 0.00002; TOPMed 0.00001.
gnomAD v4.1: 12 of 1,581,252 alleles (0.00076%); highest among the groups gnomAD compares: South Asian, 0.0023%; no homozygotes.

Submissions (16):

PreventionGenetics, part of Exact Sciences
Classification: Pathogenic for TARDBP-related condition. Last evaluated: 2026-08-26. Review status: criteria provided, single submitter. Criteria: ACMG Guidelines, 2015. Collection method: clinical testing. Allele origin: germline.
Comment: The TARDBP c.1147A>G variant is predicted to result in the amino acid substitution p.Ile383Val. This variant has previously been reported in multiple unrelated individuals with amyotrophic lateral sclerosis and/or frontotemporal dementia (Rutherford et al. 2008. PubMed ID: 18802454; Gelpi et al. 2014. PubMed ID: 23692129; McCann et al. 2020. PubMed ID: 32409511; Pressman et al. 2024. PubMed ID: 38757415). This variant has been reported to segregate with TARDBP-related disease in two families (Acosta-Uribe et al. 2022. PubMed ID: 35260199; Internal Data, PreventionGenetics). This variant is reported in 0.0077% of alleles in individuals of South Asian descent in gnomAD. This variant is located within the known hotspot of pathogenic mutations and has been classified as pathogenic/likely pathogenic in ClinVar (Variation ID: 21476). This variant is interpreted as pathogenic.

Institute of Human Genetics, University of Leipzig Medical Center
Classification: Pathogenic for Amyotrophic lateral sclerosis type 10. Last evaluated: 2025-10-15. Review status: criteria provided, single submitter. Criteria: ACMG Guidelines, 2015. Collection method: clinical testing. Allele origin: unknown. Inheritance: Autosomal dominant inheritance. Affected: yes.
Comment: Criteria applied: PS4,PM1,PP1_STR,PP2

Labcorp Genetics (formerly Invitae), Labcorp
Classification: Pathogenic for Amyotrophic lateral sclerosis type 10; FRONTOTEMPORAL LOBAR DEGENERATION WITH TDP43 INCLUSIONS, TARDBP-RELATED. Last evaluated: 2025-09-20. Review status: criteria provided, single submitter. Criteria: Invitae Variant Classification Sherloc (09022015). Collection method: clinical testing. Allele origin: germline.
Comment: This sequence change replaces isoleucine, which is neutral and non-polar, with valine, which is neutral and non-polar, at codon 383 of the TARDBP protein (p.Ile383Val). This variant is present in population databases (rs80356740, gnomAD 0.008%). This missense change has been observed in individuals with amyotrophic lateral sclerosis and/or frontotemporal lobar degeneration (PMID: 25681989, 26581115, 30773994, 33159016). It has also been observed to segregate with disease in related individuals. ClinVar contains an entry for this variant (Variation ID: 21476). An algorithm developed to predict the effect of missense changes on protein structure and function (PolyPhen-2) suggests that this variant is likely to be tolerated. For these reasons, this variant has been classified as Pathogenic.

GeneDx
Classification: Likely pathogenic. Last evaluated: 2025-08-09. Review status: criteria provided, single submitter. Criteria: GeneDx Variant Classification Process June 2021. Collection method: clinical testing. Allele origin: germline. Affected: yes.
Comment: In silico analysis suggests that this missense variant does not alter protein structure/function; This variant is associated with the following publications: (PMID: 31914217, 31019447, 33479441, 18802454, 25408367, 23692129, 26581115, 25681989, 22751173, 30773994, 33159016, 32843152, 33618928, 33427744, 33155043, 32409511, 20031275, 34573259, 34333853, 35260199, 35239007, 33576076, 34717271, 34544842, 34271284, 32462798, 38062485, 35964197, 38757415, 36732882, 38701145, 36117051, 35932023, 36474176, 38872230, 38261982, 37146135, Crooke2024[Article], 20301761, 33452055, 40373480, 39924821)

3billion
Classification: Pathogenic for Amyotrophic lateral sclerosis type 10. Last evaluated: 2025-03-04. Review status: criteria provided, single submitter. Criteria: ACMG Guidelines, 2015. Collection method: clinical testing. Allele origin: germline. Affected: yes.
Comment: The variant is observed at an extremely low frequency in the gnomAD v4.1.0 dataset (total allele frequency: <0.001%). Predicted Consequence/Location: Missense variant. Missense changes are a common disease-causing mechanism. In silico tool predictions suggest damaging effect of the variant on gene or gene product [3Cnet: 0.77 (> 0.75, sensitivity 0.96 and precision 0.92)]. The same nucleotide change resulting in the same amino acid change has been previously reported as pathogenic/likely pathogenic with strong evidence (ClinVar ID: VCV000021476 /PMID: 18802454). The variant has been observed in at least two similarly affected unrelated individuals (PMID: 18802454, 26581115). A different missense change at the same codon (p.Ile383Thr) has been reported to be associated with TARDBP-related disorder (ClinVar ID: VCV002948176). Therefore, this variant is classified as Pathogenic according to the recommendation of ACMG/AMP guideline.

CeGaT Center for Human Genetics Tuebingen
Classification: Likely pathogenic. Last evaluated: 2025-01-01. Review status: criteria provided, single submitter. Criteria: CeGaT Center For Human Genetics Tuebingen Variant Classification Criteria Version 2. Collection method: clinical testing. Allele origin: germline. Affected: yes. Observed: 2 variant alleles.
Comment: TARDBP: PP1:Strong, PM1, PM2, PS4:Moderate, BP4

Division of Genetic & Genomic Pathology, Hong Kong Children's Hospital
Classification: Likely pathogenic for Amyotrophic lateral sclerosis type 10. Last evaluated: 2024-09-10. Review status: criteria provided, single submitter. Criteria: ACMG Guidelines, 2015. Collection method: clinical testing. Allele origin: germline. Affected: yes.
Comment: The TARDBP: c.1147A>G p.(Ile383Val) is a missense variant located in exon 6 of the TARDBP gene. The variant is present at a very low frequency in population controls (gnomAD v2.1.1 [non-neuro] 2 heterozygous in 190,002 alleles, absent in gnomAD v3.1.2 [non-neuro]). It has been reported in ClinVar as Pathogenic/Likely Pathogenic by multiple submitters (VCV000021476.24). In-silico algorithms yield inconclusive results for the predicted effect of this variant (REVEL score 0.377). This variant has been reported in several individuals and families affected with TARDBP-related frontotemporal dementia and/or amyotrophic lateral sclerosis (PMID: 23692129, 32843152, 26581115, 30773994, 33452055, 36474176). For these reasons, this variant is classified as likely pathogenic.

Blueprint Genetics
Classification: Likely pathogenic for TARDBP-related disorders. Last evaluated: 2024-07-10. Review status: criteria provided, single submitter. Criteria: ACMG Guidelines, 2015. Collection method: clinical testing. Allele origin: germline. Affected: yes. Observed: 1 variant allele.

AiLife Diagnostics
Classification: Likely pathogenic. Last evaluated: 2022-02-28. Review status: criteria provided, single submitter. Criteria: ACMG Guidelines, 2015. Collection method: clinical testing. Allele origin: germline. Affected: yes. Observed: 1 variant allele.

Revvity Omics, Revvity
Classification: Pathogenic for Amyotrophic lateral sclerosis type 10. Last evaluated: 2020-12-18. Review status: criteria provided, single submitter. Criteria: ACMG Guidelines, 2015. Collection method: clinical testing. Allele origin: germline.

Laboratorio de Genetica e Diagnostico Molecular, Hospital Israelita Albert Einstein
Classification: Likely pathogenic. Last evaluated: 2020-04-08. Review status: criteria provided, single submitter. Criteria: ACMG Guidelines, 2015. Collection method: clinical testing. Allele origin: germline. Affected: yes.
Comment: ACMG classification criteria: PS3, PS4, PM1, PM2, PP1, PP2

Suna and Inan Kirac Foundation Neurodegeneration Research Laboratory, Koc University
Classification: Likely pathogenic for Amyotrophic lateral sclerosis type 10. Last evaluated: 2020-03-31. Review status: criteria provided, single submitter. Criteria: ACMG Guidelines, 2015. Collection method: research. Allele origin: germline. Affected: yes. Observed: 2 variant alleles.

Institute of Human Genetics Munich, TUM University Hospital
Classification: Pathogenic for Amyotrophic lateral sclerosis type 10. Last evaluated: 2018-01-22. Review status: criteria provided, single submitter. Criteria: Classification criteria August 2017. Collection method: clinical testing. Allele origin: germline. Inheritance: Autosomal dominant inheritance. Affected: yes. Observed: 1 heterozygote.

Clinical Genetics DNA and cytogenetics Diagnostics Lab, Erasmus MC, Erasmus Medical Center
Classification: Likely pathogenic. Review status: no assertion criteria provided. Collection method: clinical testing. Allele origin: germline. Affected: yes. Study: VKGL Data-share Consensus. Not counted in ClinVar's aggregate classification.

Genome Diagnostics Laboratory, Amsterdam University Medical Center
Classification: Likely pathogenic. Review status: no assertion criteria provided. Collection method: clinical testing. Allele origin: germline. Affected: yes. Study: VKGL Data-share Consensus. Not counted in ClinVar's aggregate classification.

Genome Diagnostics Laboratory, University Medical Center Utrecht
Classification: Likely pathogenic. Review status: no assertion criteria provided. Collection method: clinical testing. Allele origin: germline. Affected: yes. Study: VKGL Data-share Consensus. Not counted in ClinVar's aggregate classification.

Literature cited by the submitters: PubMed 25681989 (cited by Labcorp Genetics (formerly Invitae), Labcorp and AiLife Diagnostics); PubMed 26581115 (cited by 4 submitters); PubMed 30773994 (cited by 3 submitters); PubMed 33159016 (cited by Labcorp Genetics (formerly Invitae), Labcorp and AiLife Diagnostics); PubMed 18802454 (cited by 3billion and AiLife Diagnostics); PubMed 23692129 (cited by Division of Genetic & Genomic Pathology, Hong Kong Children's Hospital and AiLife Diagnostics); PubMed 32843152 (cited by Division of Genetic & Genomic Pathology, Hong Kong Children's Hospital and AiLife Diagnostics); PubMed 33452055 (cited by Division of Genetic & Genomic Pathology, Hong Kong Children's Hospital); PubMed 36474176 (cited by Division of Genetic & Genomic Pathology, Hong Kong Children's Hospital); PubMed 25408367 (cited by AiLife Diagnostics); PubMed 32409511 (cited by AiLife Diagnostics).